The following is an entry in ClinVar:

ClinVar aggregate classification (germline): Uncertain significance (1 of 4 stars; one submission).

gnomAD v4.1: 1 of 1,614,128 alleles (0.000062%); highest among the groups gnomAD compares: East Asian, 0.0022%; no homozygotes.

Submission:

Labcorp Genetics (formerly Invitae), Labcorp
Classification: Uncertain significance. Last evaluated: 2021-04-03. Review status: criteria provided, single submitter. Criteria: Invitae Variant Classification Sherloc (09022015). Collection method: clinical testing. Allele origin: germline.
Comment: This variant is present in population databases (rs781388848, ExAC 0.01%). This variant has not been reported in the literature in individuals with LAMB1-related conditions. Algorithms developed to predict the effect of missense changes on protein structure and function (SIFT, PolyPhen-2, Align-GVGD) all suggest that this variant is likely to be disruptive, but these predictions have not been confirmed by published functional studies and their clinical significance is uncertain. In summary, the available evidence is currently insufficient to determine the role of this variant in disease. Therefore, it has been classified as a Variant of Uncertain Significance. This sequence change replaces proline with threonine at codon 634 of the LAMB1 protein (p.Pro634Thr). The proline residue is highly conserved and there is a small physicochemical difference between proline and threonine.

NM_002291.3(LAMB1):c.1900C>A (p.Pro634Thr)

Gene: LAMB1 (laminin subunit beta 1; minus strand). Cytogenetic location: 7q31.1.
Variant type: single nucleotide variant.
Coding change: c.1900C>A on transcript NM_002291.3 (MANE Select); coding-DNA position 1900, C replaced by A.
Protein change: p.Pro634Thr; replaces proline 634 with threonine.
Molecular consequence: missense variant.
Genome position (GRCh38, 1-based): chr7:107,961,634, G>T on the plus strand (C>A on the coding strand, the complement: LAMB1 is on the minus strand). VCF-style: chr7-107961634-G-T. GRCh37 (hg19) VCF-style: chr7-107602079-G-T.
Other names: short protein forms P634T.
Identifiers: ClinVar variation 1356948 (VCV001356948.8), dbSNP rs781388848, ClinGen allele CA4435831.